The following is an entry in ClinVar:

ClinVar aggregate classification (germline): Uncertain significance. Review status: criteria provided, multiple submitters, no conflicts (2 of 4 stars). 2 submissions from 2 submitters: Uncertain significance (2). Last evaluated 2019-01-18.

Conditions:
Imerslund-Grasbeck syndrome type 1 (IGS1). Also called: Megaloblastic anemia 1, Finnish type; MEGALOBLASTIC ANEMIA, 1; Imerslund-Gräsbeck syndrome 1. Identifiers: MedGen C4016819, MONDO:0100156, OMIM 261100.
Imerslund-Grasbeck syndrome. Also called: Imerslund-Gräsbeck syndrome; Megaloblastic anemia due to inborn errors of metabolism; ENTEROCYTE COBALAMIN MALABSORPTION; ENTEROCYTE INTRINSIC FACTOR RECEPTOR, DEFECT OF; PERNICIOUS ANEMIA, JUVENILE, DUE TO SELECTIVE INTESTINAL MALABSORPTION OF VITAMIN B12, WITH PROTEINURIA. Identifiers: Orphanet 35858, MedGen C4551825, MONDO:0009853.

Allele frequency attached by ClinVar (database versions not stated): gnomAD exomes 0.00001; ExAC 0.00001; gnomAD 0.00003; ESP Exome Variant Server 0.00008; TOPMed 0.00001.

Submissions (2):

Labcorp Genetics (formerly Invitae), Labcorp
Classification: Uncertain significance for Imerslund-Grasbeck syndrome. Last evaluated: 2019-01-18. Review status: criteria provided, single submitter. Criteria: Invitae Variant Classification Sherloc (09022015). Collection method: clinical testing. Allele origin: germline.
Comment: In summary, the available evidence is currently insufficient to determine the role of this variant in disease. Therefore, it has been classified as a Variant of Uncertain Significance. Algorithms developed to predict the effect of missense changes on protein structure and function (SIFT, PolyPhen-2, Align-GVGD) all suggest that this variant is likely to be tolerated, but these predictions have not been confirmed by published functional studies and their clinical significance is uncertain. This variant has not been reported in the literature in individuals with CUBN-related conditions. This variant is present in population databases (rs147160034, ExAC 0.002%). This sequence change replaces methionine with leucine at codon 2991 of the CUBN protein (p.Met2991Leu). The methionine residue is weakly conserved and there is a small physicochemical difference between methionine and leucine.

Illumina Laboratory Services, Illumina
Classification: Uncertain significance for Imerslund-Grasbeck syndrome type 1. Last evaluated: 2018-03-30. Review status: criteria provided, single submitter. Criteria: ICSL Variant Classification Criteria 13 December 2019. Collection method: clinical testing. Allele origin: germline.

NM_001081.4(CUBN):c.8971A>T (p.Met2991Leu)

Gene: CUBN (cubilin; minus strand). Cytogenetic location: 10p13.
Variant type: single nucleotide variant.
Coding change: c.8971A>T on transcript NM_001081.4 (MANE Select); coding-DNA position 8971, A replaced by T.
Protein change: p.Met2991Leu; replaces methionine 2991 with leucine.
Molecular consequence: missense variant.
Genome position (GRCh38, 1-based): chr10:16,877,032, T>A on the plus strand (A>T on the coding strand, the complement: CUBN is on the minus strand). VCF-style: chr10-16877032-T-A. GRCh37 (hg19) VCF-style: chr10-16919031-T-A.
Other names: short protein forms M2991L.
Identifiers: ClinVar variation 859267 (VCV000859267.13), dbSNP rs147160034, ClinGen allele CA5422844.